The following is an entry in ClinVar:

ClinVar aggregate classification (germline): Likely pathogenic (1 of 4 stars; one submission).

Conditions:
Niemann-Pick disease, type B. Also called: Chronic Visceral ASMD (Niemann-Pick Disease Type B; NPD-B). Identifiers: Orphanet 77293, MedGen C0268243, MONDO:0011871, OMIM 607616. Disease mechanism: loss of function.
Niemann-Pick disease, type A. Also called: Infantile Neurovisceral ASMD (Niemann-Pick Disease Type A; NPD-A); SPHINGOMYELIN LIPIDOSIS; SPHINGOMYELINASE DEFICIENCY. Identifiers: Orphanet 77292, MedGen C0268242, MONDO:0009756, OMIM 257200. Disease mechanism: loss of function.

Allele frequency attached by ClinVar (database versions not stated): gnomAD 0.00001; TOPMed 0.00001.
gnomAD v4.1: 4 of 1,613,676 alleles (0.00025%); highest among the groups gnomAD compares: Non-Finnish European, 0.00034%; no homozygotes.

Submission:

Labcorp Genetics (formerly Invitae), Labcorp
Classification: Likely pathogenic for Niemann-Pick disease, type B; Niemann-Pick disease, type A. Last evaluated: 2021-08-19. Review status: criteria provided, single submitter. Criteria: Invitae Variant Classification Sherloc (09022015). Collection method: clinical testing. Allele origin: germline.
Comment: In summary, the currently available evidence indicates that the variant is pathogenic, but additional data are needed to prove that conclusively. Therefore, this variant has been classified as Likely Pathogenic. Advanced modeling of protein sequence and biophysical properties (such as structural, functional, and spatial information, amino acid conservation, physicochemical variation, residue mobility, and thermodynamic stability) performed at Invitae indicates that this missense variant is expected to disrupt SMPD1 protein function. This missense change has been observed in individual(s) with acid sphingomyelinase deficiency (PMID: 30795770). This variant is not present in population databases (ExAC no frequency). This sequence change replaces glycine with valine at codon 164 of the SMPD1 protein (p.Gly164Val). The glycine residue is moderately conserved and there is a moderate physicochemical difference between glycine and valine.

Literature cited by the submitters: PubMed 30795770.

NM_000543.5(SMPD1):c.491G>T (p.Gly164Val)

Gene: SMPD1 (sphingomyelin phosphodiesterase 1; plus strand). Cytogenetic location: 11p15.4.
Variant type: single nucleotide variant.
Coding change: c.491G>T on transcript NM_000543.5 (MANE Select); coding-DNA position 491, G replaced by T.
Protein change: p.Gly164Val; replaces glycine 164 with valine.
Molecular consequence: missense variant. On other transcripts: 5 prime UTR variant (1), non-coding transcript variant (1).
Genome position (GRCh38, 1-based): chr11:6,391,556, G>T. VCF-style: chr11-6391556-G-T. GRCh37 (hg19) VCF-style: chr11-6412786-G-T.
Other names: c.488G>T, p.Gly163Val (NM_001007593.3); c.491G>T, p.Gly164Val (NM_001318087.2, NM_001365135.2); c.-471G>T (NM_001318088.2); short protein forms G163V, G164V.
Identifiers: ClinVar variation 1511980 (VCV001511980.6), dbSNP rs1047531932, ClinGen allele CA217299372.
Genomic context (GRCh38, chr11:6,391,556, plus strand): 5'-TGGTGGAGGTGTGGAGACGCTCAGTGCTGAGCCCATCTGAGGCCTGTGGCCTGCTCCTGG[G>T]CTCCACCTGTGGGCACTGGGACATTTTCTCATCTTGGAACATCTCTTTGCCTACTGTGCC-3'
Protein context (NP_000534.3, residues 154-174): SPSEACGLLL[Gly164Val]STCGHWDIFS